The following is an entry in ClinVar:

NM_001267550.2(TTN):c.66160+16G>A

Genes: TTN (titin; minus strand), TTN-AS1 (TTN antisense RNA 1; plus strand). Cytogenetic location: 2q31.2.
Variant type: single nucleotide variant.
Coding change: c.66160+16G>A on transcript NM_001267550.2 (MANE Select); 16 bases into the intron after coding-DNA position 66160, G replaced by A.
Molecular consequence: intron variant.
Genome position (GRCh38, 1-based): chr2:178,582,280, C>T on the plus strand (G>A on the coding strand, the complement: TTN is on the minus strand). VCF-style: chr2-178582280-C-T. GRCh37 (hg19) VCF-style: chr2-179447007-C-T.
Other names: c.38965+16G>A (NM_003319.4); c.39541+16G>A (NM_133437.4); c.39340+16G>A (NM_133432.3); c.58456+16G>A (NM_133378.4); c.61237+16G>A (NM_001256850.1).
Identifiers: ClinVar variation 137802 (VCV000137802.22), dbSNP rs149714835, ClinGen allele CA291466.

ClinVar aggregate classification (germline): Benign/Likely benign. Review status: criteria provided, multiple submitters, no conflicts (2 of 4 stars). 13 submissions from 10 submitters: Benign (8); Likely benign (1). 4 of the submissions do not count toward it. Last evaluated 2026-02-03.

Conditions:
Dilated cardiomyopathy 1G (CMD1G). Identifiers: Orphanet 154, MedGen C1858763, MONDO:0011400, OMIM 604145.
Autosomal recessive limb-girdle muscular dystrophy type 2J (LGMDR10). Also called: Limb-girdle muscular dystrophy, type 2J; MUSCULAR DYSTROPHY, LIMB-GIRDLE, AUTOSOMAL RECESSIVE 10. Identifiers: Orphanet 140922, MedGen C1837342, MONDO:0012127, OMIM 608807.
Tibial muscular dystrophy (TMD). Also called: UDD MYOPATHY; Tibial muscular dystrophy, tardive; Udd Distal Myopathy – Tibial Muscular Dystrophy. Identifiers: Orphanet 609, MedGen C1838244, MONDO:0010870, OMIM 600334.
Early-onset myopathy with fatal cardiomyopathy (CMYO5). Also called: Salih Myopathy; CONGENITAL MYOPATHY 5 WITH CARDIOMYOPATHY. Identifiers: Orphanet 289377, MedGen C2673677, MONDO:0012714, OMIM 611705. Disease mechanism: loss of function.
Myopathy, myofibrillar, 9, with early respiratory failure (MFM9). Also called: Hereditary myopathy with early respiratory failure; MYOPATHY, PROXIMAL, WITH EARLY RESPIRATORY MUSCLE INVOLVEMENT; Myopathy, distal, with early respiratory failure, autosomal dominant; EDSTROM MYOPATHY. Identifiers: Orphanet 178464, Orphanet 34521, MedGen C1863599, MONDO:0011362, OMIM 603689.

Allele frequency attached by ClinVar (database versions not stated): TOPMed 0.00374; gnomAD exomes 0.00092 and 0.00036; ExAC 0.00107; 1000 Genomes Project 30x 0.00265; gnomAD 0.00364 and 0.00333; ESP Exome Variant Server 0.00273; 1000 Genomes Project 0.00300.
gnomAD v4.1: 1,053 of 1,577,032 alleles (0.067%); highest among the groups gnomAD compares: African/African-American, 1.1%; 8 homozygotes.

Submissions (13):

Labcorp Genetics (formerly Invitae), Labcorp
Classification: Benign for Dilated cardiomyopathy 1G; Autosomal recessive limb-girdle muscular dystrophy type 2J. Last evaluated: 2026-02-03. Review status: criteria provided, single submitter. Criteria: Invitae Variant Classification Sherloc (09022015). Collection method: clinical testing. Allele origin: germline.

Blueprint Genetics
Classification: Likely benign. Last evaluated: 2024-11-26. Review status: criteria provided, single submitter. Criteria: ACMG Guidelines, 2015. Collection method: clinical testing. Allele origin: germline.

ARUP Laboratories, Molecular Genetics and Genomics, ARUP Laboratories
Classification: Benign. Last evaluated: 2023-03-28. Review status: criteria provided, single submitter. Criteria: ARUP Molecular Germline Variant Investigation Process 2024. Collection method: clinical testing. Allele origin: germline.

Genome-Nilou Lab
Classification: Benign for Autosomal recessive limb-girdle muscular dystrophy type 2J. Last evaluated: 2021-09-10. Review status: criteria provided, single submitter. Criteria: ACMG Guidelines, 2015. Collection method: clinical testing. Allele origin: germline. Affected: no.

Genome-Nilou Lab
Classification: Benign for Myopathy, myofibrillar, 9, with early respiratory failure. Last evaluated: 2021-09-10. Review status: criteria provided, single submitter. Criteria: ACMG Guidelines, 2015. Collection method: clinical testing. Allele origin: germline. Affected: no.

Genome-Nilou Lab
Classification: Benign for Early-onset myopathy with fatal cardiomyopathy. Last evaluated: 2021-09-10. Review status: criteria provided, single submitter. Criteria: ACMG Guidelines, 2015. Collection method: clinical testing. Allele origin: germline. Affected: no.

Genome-Nilou Lab
Classification: Benign for Tibial muscular dystrophy. Last evaluated: 2021-09-10. Review status: criteria provided, single submitter. Criteria: ACMG Guidelines, 2015. Collection method: clinical testing. Allele origin: germline. Affected: no.

Women's Health and Genetics/Laboratory Corporation of America, LabCorp
Classification: Benign. Last evaluated: 2020-09-06. Review status: criteria provided, single submitter. Criteria: LabCorp Variant Classification Summary - May 2015. Collection method: clinical testing. Allele origin: germline.

GeneDx
Classification: Benign. Last evaluated: 2014-03-07. Review status: criteria provided, single submitter. Criteria: GeneDx Variant Classification (06012015). Collection method: clinical testing. Allele origin: germline. Affected: yes.
Comment: This variant is considered likely benign or benign based on one or more of the following criteria: it is a conservative change, it occurs at a poorly conserved position in the protein, it is predicted to be benign by multiple in silico algorithms, and/or has population frequency not consistent with disease.

Clinical Genetics DNA and cytogenetics Diagnostics Lab, Erasmus MC, Erasmus Medical Center
Classification: Benign. Review status: no assertion criteria provided. Collection method: clinical testing. Allele origin: germline. Affected: yes. Study: VKGL Data-share Consensus. Not counted in ClinVar's aggregate classification.

Clinical Genetics, Academic Medical Center
Classification: Benign. Review status: no assertion criteria provided. Collection method: clinical testing. Allele origin: germline. Affected: yes. Study: VKGL Data-share Consensus. Not counted in ClinVar's aggregate classification.

Diagnostic Laboratory, Department of Genetics, University Medical Center Groningen
Classification: Likely benign. Review status: no assertion criteria provided. Collection method: clinical testing. Allele origin: germline. Affected: yes. Study: VKGL Data-share Consensus. Not counted in ClinVar's aggregate classification.

Genome Diagnostics Laboratory, University Medical Center Utrecht
Classification: Likely benign. Review status: no assertion criteria provided. Collection method: clinical testing. Allele origin: germline. Affected: yes. Study: VKGL Data-share Consensus. Not counted in ClinVar's aggregate classification.